The following is an entry in ClinVar:

ClinVar aggregate classification (germline): Uncertain significance (1 of 4 stars; one submission).

gnomAD v4.1: 46 of 1,600,180 alleles (0.0029%); highest among the groups gnomAD compares: East Asian, 0.043%; no homozygotes.

Submission:

Labcorp Genetics (formerly Invitae), Labcorp
Classification: Uncertain significance. Last evaluated: 2025-11-09. Review status: criteria provided, single submitter. Criteria: Invitae Variant Classification Sherloc (09022015). Collection method: clinical testing. Allele origin: germline.
Comment: This sequence change replaces isoleucine, which is neutral and non-polar, with valine, which is neutral and non-polar, at codon 403 of the BRD4 protein (p.Ile403Val). This variant is present in population databases (no rsID available, gnomAD 0.007%). This variant has not been reported in the literature in individuals affected with BRD4-related conditions. Invitae Evidence Modeling of protein sequence and biophysical properties (such as structural, functional, and spatial information, amino acid conservation, physicochemical variation, residue mobility, and thermodynamic stability) indicates that this missense variant is not expected to disrupt BRD4 protein function with a negative predictive value of 80%. In summary, the available evidence is currently insufficient to determine the role of this variant in disease. Therefore, it has been classified as a Variant of Uncertain Significance.

NM_001379291.1(BRD4):c.1207A>G (p.Ile403Val)

Gene: BRD4 (bromodomain containing 4; minus strand). Cytogenetic location: 19p13.12.
Variant type: single nucleotide variant.
Coding change: c.1207A>G on transcript NM_001379291.1 (MANE Select); coding-DNA position 1207, A replaced by G.
Protein change: p.Ile403Val; replaces isoleucine 403 with valine.
Molecular consequence: missense variant.
Genome position (GRCh38, 1-based): chr19:15,264,409, T>C on the plus strand (A>G on the coding strand, the complement: BRD4 is on the minus strand). VCF-style: chr19-15264409-T-C. GRCh37 (hg19) VCF-style: chr19-15375220-T-C.
Other names: c.1207A>G, p.Ile403Val (NM_001330384.2, NM_001379292.1, NM_014299.3 and 1 more transcripts); short protein forms I403V.
Identifiers: ClinVar variation 4779662 (VCV004779662.1).
Genomic context (GRCh38, chr19:15,264,409, plus strand): 5'-ATGTGGAGGGACAGCCTGCCCACCTTGTCCCTTCCCTCAGGCACATCCCGCTAACCTTGA[T>C]TGTGCTCATGTCCATGGGGTGCTTGATGATGTCACAGTAGTCGTGTAGGCCCAGTGCCTC-3'
Protein context (NP_001366220.1, residues 393-413): IIKHPMDMST[Ile403Val]KSKLEAREYR